The following is an entry in ClinVar:

ClinVar aggregate classification (germline): Uncertain significance. Review status: criteria provided, single submitter (1 of 4 stars). 2 submissions from 2 submitters: Uncertain significance (1). 1 of the submissions does not count toward it. Last evaluated 2024-10-15.

Conditions:
Usher syndrome type 2A. Also called: RETINAL DISEASE IN USHER SYNDROME TYPE IIA, MODIFIER OF; USHER SYNDROME, TYPE IIA. Identifiers: Orphanet 231178, Orphanet 886, MedGen C1848634, MONDO:0010169, OMIM 276901.

Allele frequency attached by ClinVar (database versions not stated): gnomAD exomes below 0.00001 and 0.00002; ExAC 0.00002; gnomAD 0.00004 and 0.00005; TOPMed 0.00004.
gnomAD v4.1: 12 of 1,614,096 alleles (0.00074%); highest among the groups gnomAD compares: African/African-American, 0.016%; no homozygotes.

Submissions (2):

Labcorp Genetics (formerly Invitae), Labcorp
Classification: Uncertain significance. Last evaluated: 2024-10-15. Review status: criteria provided, single submitter. Criteria: Invitae Variant Classification Sherloc (09022015). Collection method: clinical testing. Allele origin: germline.
Comment: This sequence change replaces glutamine, which is neutral and polar, with histidine, which is basic and polar, at codon 5083 of the USH2A protein (p.Gln5083His). This variant is present in population databases (rs768977235, gnomAD 0.03%). This variant has not been reported in the literature in individuals affected with USH2A-related conditions. ClinVar contains an entry for this variant (Variation ID: 1038950). Invitae Evidence Modeling of protein sequence and biophysical properties (such as structural, functional, and spatial information, amino acid conservation, physicochemical variation, residue mobility, and thermodynamic stability) indicates that this missense variant is not expected to disrupt USH2A protein function with a negative predictive value of 95%. In summary, the available evidence is currently insufficient to determine the role of this variant in disease. Therefore, it has been classified as a Variant of Uncertain Significance.

Natera, Inc.
Classification: Uncertain significance for Usher syndrome type 2A. Last evaluated: 2020-09-29. Review status: no assertion criteria provided. Collection method: clinical testing. Allele origin: germline. Not counted in ClinVar's aggregate classification.

NM_206933.4(USH2A):c.15249G>C (p.Gln5083His)

Gene: USH2A (usherin; minus strand). Cytogenetic location: 1q41.
Variant type: single nucleotide variant.
Coding change: c.15249G>C on transcript NM_206933.4 (MANE Select); coding-DNA position 15249, G replaced by C.
Protein change: p.Gln5083His; replaces glutamine 5083 with histidine.
Molecular consequence: missense variant.
Genome position (GRCh38, 1-based): chr1:215,634,507, C>G on the plus strand (G>C on the coding strand, the complement: USH2A is on the minus strand). VCF-style: chr1-215634507-C-G. GRCh37 (hg19) VCF-style: chr1-215807849-C-G.
Other names: short protein forms Q5083H.
Identifiers: ClinVar variation 1038950 (VCV001038950.9), dbSNP rs768977235, ClinGen allele CA1392761.